The following is an entry in ClinVar:

NM_000535.7(PMS2):c.92T>G (p.Val31Gly)

Gene: PMS2 (PMS1 homolog 2, mismatch repair system component; minus strand). Cytogenetic location: 7p22.1.
Variant type: single nucleotide variant.
Coding change: c.92T>G on transcript NM_000535.7 (MANE Select); coding-DNA position 92, T replaced by G.
Protein change: p.Val31Gly; replaces valine 31 with glycine.
Molecular consequence: missense variant. On other transcripts: 5 prime UTR variant (8), non-coding transcript variant (1), intron variant (3).
Genome position (GRCh38, 1-based): chr7:6,005,963, A>C on the plus strand (T>G on the coding strand, the complement: PMS2 is on the minus strand). VCF-style: chr7-6005963-A-C. GRCh37 (hg19) VCF-style: chr7-6045594-A-C.
Other names: c.-314T>G (NM_001018040.1, NM_001322003.2, NM_001322005.2 and 11 more transcripts); c.92T>G, p.Val31Gly (NM_001322006.2, NM_001322014.2, NM_001406868.1 and 10 more transcripts); c.-124T>G (NM_001322007.2, NM_001406876.1, NM_001406883.1 and 4 more transcripts); c.-793T>G (NM_001322011.2, NM_001322012.2); c.-393T>G (NM_001322015.2, NM_001406875.1, NM_001406877.1 and 2 more transcripts); c.278T>G, p.Val93Gly (NM_001406866.1); c.-340T>G (NM_001406880.1); c.-261T>G (NM_001406888.1, NM_001406889.1, NM_001406892.1 and 5 more transcripts); and 4 more; short protein forms V31G, V93G.
Identifiers: ClinVar variation 1766503 (VCV001766503.2), dbSNP rs2128845590, ClinGen allele CA366745075.

ClinVar aggregate classification (germline): Uncertain significance (1 of 4 stars; one submission).

Conditions:
Hereditary cancer-predisposing syndrome. Also called: Hereditary Cancer Syndrome; Hereditary neoplastic syndrome; Neoplastic Syndromes, Hereditary; Tumor predisposition. Identifiers: Orphanet 140162, MedGen C0027672, MeSH D009386, MONDO:0015356.

Submission:

Ambry Genetics
Classification: Uncertain significance for Hereditary cancer-predisposing syndrome. Last evaluated: 2019-09-27. Review status: criteria provided, single submitter. Criteria: Ambry Variant Classification Scheme 2023. Collection method: clinical testing. Allele origin: germline.
Comment: The p.V31G variant (also known as c.92T>G), located in coding exon 2 of the PMS2 gene, results from a T to G substitution at nucleotide position 92. The valine at codon 31 is replaced by glycine, an amino acid with dissimilar properties. This amino acid position is highly conserved in available vertebrate species. In addition, this alteration is predicted to be deleterious by in silico analysis. Since supporting evidence is limited at this time, the clinical significance of this alteration remains unclear.